The following is an entry in ClinVar:

NM_001363711.2(DUOX2):c.2288A>T (p.Gln763Leu)

Gene: DUOX2 (dual oxidase 2; minus strand). Cytogenetic location: 15q21.1.
Variant type: single nucleotide variant.
Coding change: c.2288A>T on transcript NM_001363711.2 (MANE Select); coding-DNA position 2288, A replaced by T.
Protein change: p.Gln763Leu; replaces glutamine 763 with leucine.
Molecular consequence: missense variant.
Genome position (GRCh38, 1-based): chr15:45,105,689, T>A on the plus strand (A>T on the coding strand, the complement: DUOX2 is on the minus strand). VCF-style: chr15-45105689-T-A. GRCh37 (hg19) VCF-style: chr15-45397887-T-A.
Other names: c.2288A>T, p.Gln763Leu (NM_014080.5); short protein forms Q763L.
Identifiers: ClinVar variation 4702955 (VCV004702955.1).

ClinVar aggregate classification (germline): Uncertain significance (1 of 4 stars; one submission).

gnomAD v4.1: 1 of 1,614,252 alleles (0.000062%); highest among the groups gnomAD compares: Non-Finnish European, 0.000085%; no homozygotes.

Submission:

Labcorp Genetics (formerly Invitae), Labcorp
Classification: Uncertain significance. Last evaluated: 2025-06-19. Review status: criteria provided, single submitter. Criteria: Invitae Variant Classification Sherloc (09022015). Collection method: clinical testing. Allele origin: germline.
Comment: This sequence change replaces glutamine, which is neutral and polar, with leucine, which is neutral and non-polar, at codon 763 of the DUOX2 protein (p.Gln763Leu). This variant is not present in population databases (gnomAD no frequency). This variant has not been reported in the literature in individuals affected with DUOX2-related conditions. Invitae Evidence Modeling of protein sequence and biophysical properties (such as structural, functional, and spatial information, amino acid conservation, physicochemical variation, residue mobility, and thermodynamic stability) indicates that this missense variant is expected to disrupt DUOX2 protein function with a positive predictive value of 80%. In summary, the available evidence is currently insufficient to determine the role of this variant in disease. Therefore, it has been classified as a Variant of Uncertain Significance.